The following is an entry in ClinVar:

ClinVar aggregate classification (germline): Pathogenic (1 of 4 stars; one submission).

Conditions:
EGFR-related lung cancer (EGFR). Identifiers: MedGen CN130014.

Submission:

Labcorp Genetics (formerly Invitae), Labcorp
Classification: Pathogenic for EGFR-related lung cancer. Last evaluated: 2025-01-26. Review status: criteria provided, single submitter. Criteria: Invitae Variant Classification Sherloc (09022015). Collection method: clinical testing. Allele origin: germline.
Comment: This sequence change creates a premature translational stop signal (p.Glu548Valfs*6) in the EGFR gene. It is expected to result in an absent or disrupted protein product. Loss-of-function variants in EGFR are known to be pathogenic (PMID: 7630400, 28726809, 29899996). This variant is not present in population databases (gnomAD no frequency). This variant has not been reported in the literature in individuals affected with EGFR-related conditions. For these reasons, this variant has been classified as Pathogenic.

Literature cited by the submitters: PubMed 7630400; PubMed 28726809; PubMed 29899996.

NM_005228.5(EGFR):c.1643_1644del (p.Glu548fs)

Gene: EGFR (epidermal growth factor receptor; plus strand). Cytogenetic location: 7p11.2.
Variant type: Deletion.
Coding change: c.1643_1644del on transcript NM_005228.5 (MANE Select); coding-DNA positions 1643 to 1644, 2 bases deleted (AG; older notation c.1643_1644delAG).
Protein change: p.Glu548fs; shifts the reading frame from glutamic acid 548.
Molecular consequence: frameshift variant.
Genome position (GRCh38, 1-based): chr7:55,163,744-55,163,745, AG deleted; deleting any 2 consecutive bases within chr7:55,163,743-55,163,745 gives the same sequence; the c. name uses the placement nearest the transcript's 3' end. VCF-style (leftmost placement, unchanged base first): chr7-55163742-GGA-G. GRCh37 (hg19) VCF-style: chr7-55231435-GGA-G.
Other names: c.1508_1509del, p.Glu503fs (NM_001346897.2, NM_001346899.2); c.1643_1644del, p.Glu548fs (NM_001346898.2, NM_201282.2, NM_201284.2); c.1484_1485del, p.Glu495fs (NM_001346900.2); c.842_843del, p.Glu281fs (NM_001346941.2); short protein forms E281fs, E495fs, E503fs, E548fs.
Identifiers: ClinVar variation 3729636 (VCV003729636.2).